The following is an entry in ClinVar:

NM_001204375.2(NPR3):c.1169A>G (p.Gln390Arg)

Gene: NPR3 (natriuretic peptide receptor 3; plus strand). Cytogenetic location: 5p13.3.
Variant type: single nucleotide variant.
Coding change: c.1169A>G on transcript NM_001204375.2 (MANE Select); coding-DNA position 1169, A replaced by G.
Protein change: p.Gln390Arg; replaces glutamine 390 with arginine.
Molecular consequence: missense variant.
Genome position (GRCh38, 1-based): chr5:32,774,817, A>G. VCF-style: chr5-32774817-A-G. GRCh37 (hg19) VCF-style: chr5-32774923-A-G.
Other names: c.1169A>G, p.Gln390Arg (NM_000908.4); c.521A>G, p.Gln174Arg (NM_001204376.2, NM_001363652.2); c.449A>G, p.Gln150Arg (NM_001364458.2); c.398A>G, p.Gln133Arg (NM_001364460.2); short protein forms Q390R, Q150R, Q174R, Q133R.
Identifiers: ClinVar variation 2174547 (VCV002174547.4), dbSNP rs373722650, ClinGen allele CA116856375.
Genomic context (GRCh38, chr5:32,774,817, plus strand): 5'-TGGCTCTACATGAAGTACTCAGAGCTGGTTACAGCAAAAAGGATGGAGGGAAAATTATAC[A>G]GCAGACTTGGAACAGAACATTTGAAGGTGGGGATTCCATCTATAAGGCAATTACATGGGG-3'
Protein context (NP_001191304.1, residues 380-400): YSKKDGGKII[Gln390Arg]QTWNRTFEGI

ClinVar aggregate classification (germline): Uncertain significance (1 of 4 stars; one submission).

Allele frequency attached by ClinVar (database versions not stated): gnomAD 0.00001; TOPMed 0.00001; ESP Exome Variant Server 0.00008.

Submission:

Labcorp Genetics (formerly Invitae), Labcorp
Classification: Uncertain significance. Last evaluated: 2022-02-24. Review status: criteria provided, single submitter. Criteria: Invitae Variant Classification Sherloc (09022015). Collection method: clinical testing. Allele origin: germline.
Comment: This variant is present in population databases (rs373722650, gnomAD 0.007%). This sequence change replaces glutamine, which is neutral and polar, with arginine, which is basic and polar, at codon 390 of the NPR3 protein (p.Gln390Arg). This variant has not been reported in the literature in individuals affected with NPR3-related conditions. In summary, the available evidence is currently insufficient to determine the role of this variant in disease. Therefore, it has been classified as a Variant of Uncertain Significance. Algorithms developed to predict the effect of missense changes on protein structure and function (SIFT, PolyPhen-2, Align-GVGD) all suggest that this variant is likely to be tolerated.